The following is an entry in ClinVar:

ClinVar aggregate classification (germline): Uncertain significance. Review status: criteria provided, multiple submitters, no conflicts (2 of 4 stars). 5 submissions from 5 submitters: Uncertain significance (5). Last evaluated 2026-09-15.

Conditions:
Autosomal recessive limb-girdle muscular dystrophy type 2J (LGMDR10). Also called: MUSCULAR DYSTROPHY, LIMB-GIRDLE, AUTOSOMAL RECESSIVE 10; Limb-girdle muscular dystrophy, type 2J. Identifiers: Orphanet 140922, MedGen C1837342, MONDO:0012127, OMIM 608807.
Dilated cardiomyopathy 1G (CMD1G). Identifiers: Orphanet 154, MedGen C1858763, MONDO:0011400, OMIM 604145.
TTN-related disorder. Also called: TTN-related condition; TTN-related disease; TTN-related disorders.
Hypertrophic cardiomyopathy 9. Also called: Familial hypertrophic cardiomyopathy 9. Identifiers: MedGen C1861065, MONDO:0013412, OMIM 613765.
Early-onset myopathy with fatal cardiomyopathy (CMYO5). Also called: CONGENITAL MYOPATHY 5 WITH CARDIOMYOPATHY; Salih Myopathy. Identifiers: Orphanet 289377, MedGen C2673677, MONDO:0012714, OMIM 611705. Disease mechanism: loss of function.
Myopathy, myofibrillar, 9, with early respiratory failure (MFM9). Also called: Myopathy, distal, with early respiratory failure, autosomal dominant; Hereditary myopathy with early respiratory failure; EDSTROM MYOPATHY; MYOPATHY, PROXIMAL, WITH EARLY RESPIRATORY MUSCLE INVOLVEMENT. Identifiers: Orphanet 178464, Orphanet 34521, MedGen C1863599, MONDO:0011362, OMIM 603689.
Tibial muscular dystrophy (TMD). Also called: Tibial muscular dystrophy, tardive; Udd Distal Myopathy – Tibial Muscular Dystrophy; UDD MYOPATHY. Identifiers: Orphanet 609, MedGen C1838244, MONDO:0010870, OMIM 600334.
Cardiovascular phenotype. Identifiers: MedGen CN230736.

Allele frequency attached by ClinVar (database versions not stated): ExAC 0.00001; gnomAD exomes 0.00001; TOPMed 0.00001.
gnomAD v4.1: 19 of 1,613,660 alleles (0.0012%); highest among the groups gnomAD compares: South Asian, 0.0033%; no homozygotes.

Submissions (5):

GeneDx
Classification: Uncertain significance. Last evaluated: 2026-09-15. Review status: criteria provided, single submitter. Criteria: GeneDx Variant Classification Process June 2021. Collection method: clinical testing. Allele origin: germline.
Comment: Not observed at significant frequency in large population cohorts (gnomAD); Missense variant in a gene in which most reported pathogenic variants are truncating/loss of function; Has not been previously published as pathogenic or benign to our knowledge

PreventionGenetics, part of Exact Sciences
Classification: Uncertain significance for TTN-related condition. Last evaluated: 2025-12-01. Review status: criteria provided, single submitter. Criteria: ACMG Guidelines, 2015. Collection method: clinical testing. Allele origin: germline.
Comment: The TTN c.103216G>A variant is predicted to result in the amino acid substitution p.Gly34406Arg. This variant has been reported as a variant of uncertain significance in a cohort of individuals with hypertrophic cardiomyopathy (Table S14, Thomson et al. 2019. PubMed ID: 30531895). This variant has also been reported in another cohort of individuals referred for genetic testing of cardiomyopathy and/or arrhythmia; however, detailed clinical information was not available (Supplement 2, Dellefave-Castillo et al. 2022. PubMed ID: 35947370). This variant is reported in 0.0056% of alleles in individuals of East Asian descent in gnomAD. At this time, the clinical significance of this variant is uncertain due to the absence of conclusive functional and genetic evidence.

Labcorp Genetics (formerly Invitae), Labcorp
Classification: Uncertain significance for Dilated cardiomyopathy 1G; Autosomal recessive limb-girdle muscular dystrophy type 2J. Last evaluated: 2025-03-05. Review status: criteria provided, single submitter. Criteria: Invitae Variant Classification Sherloc (09022015). Collection method: clinical testing. Allele origin: germline.
Comment: This sequence change replaces glycine, which is neutral and non-polar, with arginine, which is basic and polar, at codon 34406 of the TTN protein (p.Gly34406Arg). This variant is present in population databases (rs371753532, gnomAD 0.006%). This variant has not been reported in the literature in individuals affected with TTN-related conditions. ClinVar contains an entry for this variant (Variation ID: 574355). Experimental studies and prediction algorithms are not available or were not evaluated, and the functional significance of this variant is currently unknown. This variant is located in the M band of TTN (PMID: 25589632). Non-truncating variants in this region may be relevant for neuromuscular disorders, but have not been definitively shown to cause cardiomyopathy (PMID: 23975875). In summary, the available evidence is currently insufficient to determine the role of this variant in disease. Therefore, it has been classified as a Variant of Uncertain Significance.

Fulgent Genetics
Classification: Uncertain significance for Tibial muscular dystrophy; Myopathy, myofibrillar, 9, with early respiratory failure; Dilated cardiomyopathy 1G; Autosomal recessive limb-girdle muscular dystrophy type 2J; Early-onset myopathy with fatal cardiomyopathy; Hypertrophic cardiomyopathy 9. Last evaluated: 2021-07-09. Review status: criteria provided, single submitter. Criteria: ACMG Guidelines, 2015. Collection method: clinical testing. Allele origin: unknown.

Ambry Genetics
Classification: Uncertain significance for Cardiovascular phenotype. Last evaluated: 2018-08-29. Review status: criteria provided, single submitter. Criteria: Ambry Variant Classification Scheme 2023. Collection method: clinical testing. Allele origin: germline.
Comment: The p.G25341R variant (also known as c.76021G>A), located in coding exon 185 of the TTN gene, results from a G to A substitution at nucleotide position 76021. The glycine at codon 25341 is replaced by arginine, an amino acid with dissimilar properties. This amino acid position is well conserved in available vertebrate species; however, arginine is the reference amino acid in other vertebrate species. In addition, this alteration is predicted to be tolerated by in silico analysis. Since supporting evidence is limited at this time, the clinical significance of this alteration remains unclear.

Literature cited by the submitters: PubMed 25589632 (cited by Labcorp Genetics (formerly Invitae), Labcorp); PubMed 23975875 (cited by Labcorp Genetics (formerly Invitae), Labcorp).

NM_001267550.2(TTN):c.103216G>A (p.Gly34406Arg)

Genes: TTN (titin; minus strand), TTN-AS1 (TTN antisense RNA 1; plus strand). Cytogenetic location: 2q31.2.
Variant type: single nucleotide variant.
Coding change: c.103216G>A on transcript NM_001267550.2 (MANE Select); coding-DNA position 103216, G replaced by A.
Protein change: p.Gly34406Arg; replaces glycine 34406 with arginine.
Molecular consequence: missense variant.
Genome position (GRCh38, 1-based): chr2:178,533,399, C>T on the plus strand (G>A on the coding strand, the complement: TTN is on the minus strand). VCF-style: chr2-178533399-C-T. GRCh37 (hg19) VCF-style: chr2-179398126-C-T.
Other names: c.98293G>A, p.Gly32765Arg (NM_001256850.1); c.76021G>A, p.Gly25341Arg (NM_003319.4); c.95512G>A, p.Gly31838Arg (NM_133378.4); c.76396G>A, p.Gly25466Arg (NM_133432.3); c.76597G>A, p.Gly25533Arg (NM_133437.4); c.103216G>A (NM_001267550.1); short protein forms G34406R, G25466R, G25533R, G32765R, G31838R, G25341R.
Identifiers: ClinVar variation 574355 (VCV000574355.16), dbSNP rs371753532, ClinGen allele CA1985640.